The following is an entry in ClinVar:

ClinVar aggregate classification (germline): Uncertain significance (0 of 4 stars; one submission).

Conditions:
GNAS-related disorder. Identifiers: MedGen CN380105.

Submission:

PreventionGenetics, part of Exact Sciences
Classification: Uncertain significance for GNAS-related condition. Last evaluated: 2023-10-23. Review status: no assertion criteria provided. Collection method: clinical testing. Allele origin: germline.
Comment: The GNAS c.240delC variant is predicted to result in a frameshift and premature protein termination (p.Glu81Asnfs*21). This variant corresponds to a pre-coding position in the primary GNAS transcript (NM_000516.7:c.-51381delC). To our knowledge, this variant has not been reported in the literature. This variant is reported in 0.0033% of alleles in individuals of South Asian descent in gnomAD. At this time, the clinical significance of this variant is uncertain due to the absence of conclusive functional and genetic evidence.

NM_016592.5(GNAS):c.240del (p.Glu81fs)

Genes: GNAS (GNAS complex locus; plus strand), GNAS-AS1 (GNAS antisense RNA 1; minus strand). Cytogenetic location: 20q13.32.
Variant type: Deletion.
Coding change: c.240del on transcript NM_016592.5 (MANE Plus Clinical); coding-DNA position 240, one base deleted (C; older notation c.240delC).
Protein change: p.Glu81fs; shifts the reading frame from glutamic acid 81.
Molecular consequence: frameshift variant. On other transcripts: 5 prime UTR variant (1).
Genome position (GRCh38, 1-based): chr20:58,840,346, C deleted; the last of 5 consecutive C bases (chr20:58,840,342-58,840,346); deleting any one gives the same sequence. VCF-style (leftmost placement, unchanged base first): chr20-58840341-TC-T. GRCh37 (hg19) VCF-style: chr20-57415396-TC-T.
Other names: c.-498del (NM_001410912.1); short protein forms E81fs.
Identifiers: ClinVar variation 3353733 (VCV003353733.1).